The following is an entry in ClinVar:

NM_017739.4(POMGNT1):c.1605-3C>T

Genes: POMGNT1 (protein O-linked mannose N-acetylglucosaminyltransferase 1 (beta 1,2-); minus strand), TSPAN1 (tetraspanin 1; plus strand). Cytogenetic location: 1p34.1.
Variant type: single nucleotide variant.
Coding change: c.1605-3C>T on transcript NM_017739.4 (MANE Select); 3 bases into the intron before coding-DNA position 1605, C replaced by T.
Molecular consequence: intron variant.
Genome position (GRCh38, 1-based): chr1:46,190,520, G>A on the plus strand (C>T on the coding strand, the complement: POMGNT1 is on the minus strand). VCF-style: chr1-46190520-G-A. GRCh37 (hg19) VCF-style: chr1-46656192-G-A.
Other names: c.1605-3C>T (NM_001243766.2, NM_001438686.1, NM_001438688.1 and 3 more transcripts); c.1539-3C>T (NM_001290129.3, NM_001438691.1, NM_001438692.1); c.1176-3C>T (NM_001290130.2).
Identifiers: ClinVar variation 843646 (VCV000843646.8), dbSNP rs1457187510, ClinGen allele CA522581109.

ClinVar aggregate classification (germline): Uncertain significance (1 of 4 stars; one submission).

Conditions:
Autosomal recessive limb-girdle muscular dystrophy type 2O. Also called: MUSCULAR DYSTROPHY-DYSTROGLYCANOPATHY (LIMB-GIRDLE), TYPE C, 3; MUSCULAR DYSTROPHY-DYSTROGLYCANOPATHY, LIMB-GIRDLE, POMGNT1-RELATED; Limb-Girdle Muscular Dystrophy Type 3C. Identifiers: Orphanet 206564, MedGen C3150417, MONDO:0013161, OMIM 613157.
Muscular dystrophy-dystroglycanopathy (congenital with impaired intellectual development), type B, 3. Also called: MUSCULAR DYSTROPHY, CONGENITAL, POMGNT1-RELATED; Muscular dystrophy-dystroglycanopathy (congenital with intellectual disability), type B3. Identifiers: MedGen C3150412, MONDO:0013155, OMIM 613151.

Allele frequency attached by ClinVar (database versions not stated): gnomAD exomes below 0.00001.
gnomAD v4.1: 2 of 1,603,568 alleles (0.00012%); highest among the groups gnomAD compares: Middle Eastern, 0.017%; no homozygotes.

Submission:

Labcorp Genetics (formerly Invitae), Labcorp
Classification: Uncertain significance for Autosomal recessive limb-girdle muscular dystrophy type 2O; Muscular dystrophy-dystroglycanopathy (congenital with impaired intellectual development), type B, 3. Last evaluated: 2022-07-06. Review status: criteria provided, single submitter. Criteria: Invitae Variant Classification Sherloc (09022015). Collection method: clinical testing. Allele origin: germline.
Comment: This sequence change falls in intron 18 of the POMGNT1 gene. It does not directly change the encoded amino acid sequence of the POMGNT1 protein. It affects a nucleotide within the consensus splice site. This variant is present in population databases (no rsID available, gnomAD 0.003%). This variant has not been reported in the literature in individuals affected with POMGNT1-related conditions. ClinVar contains an entry for this variant (Variation ID: 843646). Variants that disrupt the consensus splice site are a relatively common cause of aberrant splicing (PMID: 17576681, 9536098). Algorithms developed to predict the effect of sequence changes on RNA splicing suggest that this variant may disrupt the consensus splice site. In summary, the available evidence is currently insufficient to determine the role of this variant in disease. Therefore, it has been classified as a Variant of Uncertain Significance.

Literature cited by the submitters: PubMed 17576681; PubMed 9536098.